The following is an entry in ClinVar:

NC_000002.11:g.(?_9645275)_(9650280_?)del

Gene: ADAM17 (ADAM metallopeptidase domain 17; minus strand). Cytogenetic location: 2p25.1.
Variant type: Deletion.
Identifiers: ClinVar variation 2424648 (VCV002424648.4).

ClinVar aggregate classification (germline): Pathogenic (1 of 4 stars; one submission).

Conditions:
Inflammatory skin and bowel disease, neonatal, 1. Identifiers: Orphanet 294023, MedGen C3280501, MONDO:0013693, OMIM 614328.

Submission:

Labcorp Genetics (formerly Invitae), Labcorp
Classification: Pathogenic for Inflammatory skin and bowel disease, neonatal, 1. Last evaluated: 2022-05-13. Review status: criteria provided, single submitter. Criteria: Invitae Variant Classification Sherloc (09022015). Collection method: clinical testing. Allele origin: germline.
Comment: This variant is a gross deletion of the genomic region encompassing exon(s) 11-12 of the ADAM17 gene. This deletion is out-of-frame, and is expected to create a premature termination codon and result in an absent or disrupted protein product. Loss-of-function variants in ADAM17 are known to be pathogenic (PMID: 22010916, 25804906). This variant has not been reported in the literature in individuals affected with ADAM17-related conditions. For these reasons, this variant has been classified as Pathogenic.

Literature cited by the submitters: PubMed 22010916; PubMed 25804906.